The following is an entry in ClinVar:

NM_005334.3(HCFC1):c.4696G>A (p.Val1566Met)

Gene: HCFC1 (host cell factor C1; minus strand). Cytogenetic location: Xq28.
Variant type: single nucleotide variant.
Coding change: c.4696G>A on transcript NM_005334.3 (MANE Select); coding-DNA position 4696, G replaced by A.
Protein change: p.Val1566Met; replaces valine 1566 with methionine.
Molecular consequence: missense variant.
Genome position (GRCh38, 1-based): chrX:153,952,760, C>T on the plus strand (G>A on the coding strand, the complement: HCFC1 is on the minus strand). VCF-style: chrX-153952760-C-T. GRCh37 (hg19) VCF-style: chrX-153218211-C-T.
Other names: short protein forms V1566M.
Identifiers: ClinVar variation 709445 (VCV000709445.38), dbSNP rs368279501, ClinGen allele CA10556920.

ClinVar aggregate classification (germline): Benign/Likely benign. Review status: criteria provided, multiple submitters, no conflicts (2 of 4 stars). 4 submissions from 4 submitters: Benign (1); Likely benign (3). Last evaluated 2026-01-28.

Conditions:
Methylmalonic acidemia with homocystinuria, type cblX (MAHCX). Also called: INTELLECTUAL DEVELOPMENTAL DISORDER, X-LINKED 3. Identifiers: Orphanet 369962, MedGen C0796208, MONDO:0010657, OMIM 309541.
Inborn genetic diseases. Identifiers: MedGen C0950123, MeSH D030342.

Allele frequency attached by ClinVar (database versions not stated): ESP Exome Variant Server 0.00030; gnomAD 0.00060 and 0.00063; TOPMed 0.00067; gnomAD exomes 0.00020; 1000 Genomes Project 30x 0.00021; 1000 Genomes Project 0.00026.
gnomAD v4.1: 137 of 1,208,104 alleles (0.011%); highest among the groups gnomAD compares: African/African-American, 0.21%; no homozygotes.

Submissions (4):

Labcorp Genetics (formerly Invitae), Labcorp
Classification: Benign for Methylmalonic acidemia with homocystinuria, type cblX. Last evaluated: 2026-01-28. Review status: criteria provided, single submitter. Criteria: Invitae Variant Classification Sherloc (09022015). Collection method: clinical testing. Allele origin: germline.

CeGaT Center for Human Genetics Tuebingen
Classification: Likely benign. Last evaluated: 2022-09-01. Review status: criteria provided, single submitter. Criteria: CeGaT Center For Human Genetics Tuebingen Variant Classification Criteria Version 2. Collection method: clinical testing. Allele origin: germline. Affected: yes. Observed: 1 variant allele.
Comment: HCFC1: PP2, BS2

Ambry Genetics
Classification: Likely benign for Inborn genetic diseases. Last evaluated: 2022-05-25. Review status: criteria provided, single submitter. Criteria: Ambry Variant Classification Scheme 2023. Collection method: clinical testing. Allele origin: germline.

Laboratorio de Genetica e Diagnostico Molecular, Hospital Israelita Albert Einstein
Classification: Likely benign. Last evaluated: 2020-01-03. Review status: criteria provided, single submitter. Criteria: ACMG Guidelines, 2015. Collection method: clinical testing. Allele origin: germline. Affected: yes.
Comment: ACMG classification criteria: BS2, BP4